The following is an entry in ClinVar:

NM_001283009.2(RTEL1):c.1201A>T (p.Ser401Cys)

Genes: RTEL1 (regulator of telomere elongation helicase 1; plus strand), RTEL1-TNFRSF6B (RTEL1-TNFRSF6B readthrough (NMD candidate); plus strand). Cytogenetic location: 20q13.33.
Variant type: single nucleotide variant.
Coding change: c.1201A>T on transcript NM_001283009.2 (MANE Select); coding-DNA position 1201, A replaced by T.
Protein change: p.Ser401Cys; replaces serine 401 with cysteine.
Molecular consequence: missense variant. On other transcripts: non-coding transcript variant (1).
Genome position (GRCh38, 1-based): chr20:63,685,532, A>T. VCF-style: chr20-63685532-A-T. GRCh37 (hg19) VCF-style: chr20-62316885-A-T.
Other names: c.532A>T, p.Ser178Cys (NM_001283010.1); c.1201A>T, p.Ser401Cys (NM_016434.4); c.1273A>T, p.Ser425Cys (NM_032957.5); c.1273A>T (NM_032957.4); short protein forms S401C, S425C, S178C.
Identifiers: ClinVar variation 2167112 (VCV002167112.6), dbSNP rs890182855, ClinGen allele CA317505527.

ClinVar aggregate classification (germline): Uncertain significance. Review status: criteria provided, multiple submitters, no conflicts (2 of 4 stars). 3 submissions from 3 submitters: Uncertain significance (3). Last evaluated 2025-10-14.

Conditions:
Inborn genetic diseases. Identifiers: MedGen C0950123, MeSH D030342.
Dyskeratosis congenita, autosomal recessive 5 (DKCB5). Identifiers: MedGen C3554656, MONDO:0014076, OMIM 615190.
Pulmonary fibrosis and/or bone marrow failure, Telomere-related, 3. Also called: PULMONARY FIBROSIS AND/OR BONE MARROW FAILURE SYNDROME, TELOMERE-RELATED, 3. Identifiers: Orphanet 2032, MedGen C4225346, MONDO:0014613, OMIM 616373.
RTEL1-related disorder. Also called: RTEL1-related condition; RTEL1-related disorders.

Allele frequency attached by ClinVar (database versions not stated): gnomAD 0.00001; TOPMed 0.00003.
gnomAD v4.1: 7 of 1,612,384 alleles (0.00043%); highest among the groups gnomAD compares: Admixed American, 0.0067%; no homozygotes.

Submissions (3):

Labcorp Genetics (formerly Invitae), Labcorp
Classification: Uncertain significance for Dyskeratosis congenita, autosomal recessive 5; Pulmonary fibrosis and/or bone marrow failure, Telomere-related, 3. Last evaluated: 2025-10-14. Review status: criteria provided, single submitter. Criteria: Invitae Variant Classification Sherloc (09022015). Collection method: clinical testing. Allele origin: germline.
Comment: This sequence change replaces serine, which is neutral and polar, with cysteine, which is neutral and slightly polar, at codon 401 of the RTEL1 protein (p.Ser401Cys). This variant is present in population databases (no rsID available, gnomAD 0.009%). This variant has not been reported in the literature in individuals affected with RTEL1-related conditions. ClinVar contains an entry for this variant (Variation ID: 2167112). An algorithm developed to predict the effect of missense changes on protein structure and function (PolyPhen-2) suggests that this variant is likely to be tolerated. In summary, the available evidence is currently insufficient to determine the role of this variant in disease. Therefore, it has been classified as a Variant of Uncertain Significance.

Ambry Genetics
Classification: Uncertain significance for Inborn genetic diseases. Last evaluated: 2023-04-25. Review status: criteria provided, single submitter. Criteria: Ambry Variant Classification Scheme 2023. Collection method: clinical testing. Allele origin: germline.

PreventionGenetics, part of Exact Sciences
Classification: Uncertain significance for RTEL1-related condition. Last evaluated: 2022-12-20. Review status: criteria provided, single submitter. Criteria: ACMG Guidelines, 2015. Collection method: clinical testing. Allele origin: germline.
Comment: The RTEL1 c.1273A>T variant is predicted to result in the amino acid substitution p.Ser425Cys. To our knowledge, this variant has not been reported in the literature. This variant is reported in 0.0058% of alleles in individuals of Latino descent in gnomAD. At this time, the clinical significance of this variant is uncertain due to the absence of conclusive functional and genetic evidence.